The following is an entry in ClinVar:

ClinVar aggregate classification (germline): Uncertain significance (1 of 4 stars; one submission).

Conditions:
Ataxia-telangiectasia syndrome (AT). Also called: Ataxia-telangiectasia, complementation group D; AT, COMPLEMENTATION GROUP C; ATAXIA-TELANGIECTASIA, COMPLEMENTATION GROUP A; ATAXIA-TELANGIECTASIA, FRESNO VARIANT; Ataxia-telangiectasia; Ataxia-telangiectasia, complementation group E. Identifiers: Orphanet 100, MedGen C0004135, MONDO:0008840, OMIM 208900.

Submission:

Labcorp Genetics (formerly Invitae), Labcorp
Classification: Uncertain significance for Ataxia-telangiectasia syndrome. Last evaluated: 2024-08-16. Review status: criteria provided, single submitter. Criteria: Invitae Variant Classification Sherloc (09022015). Collection method: clinical testing. Allele origin: germline.
Comment: This sequence change falls in intron 40 of the ATM gene. It does not directly change the encoded amino acid sequence of the ATM protein. It affects a nucleotide within the consensus splice site. This variant is not present in population databases (gnomAD no frequency). This variant has not been reported in the literature in individuals affected with ATM-related conditions. Variants that disrupt the consensus splice site are a relatively common cause of aberrant splicing (PMID: 17576681, 9536098). Algorithms developed to predict the effect of sequence changes on RNA splicing suggest that this variant is not likely to affect RNA splicing. In summary, the available evidence is currently insufficient to determine the role of this variant in disease. Therefore, it has been classified as a Variant of Uncertain Significance.

Literature cited by the submitters: PubMed 17576681; PubMed 9536098.

NM_000051.4(ATM):c.6006+5A>G

Genes: ATM (ATM serine/threonine kinase; plus strand), C11orf65 (chromosome 11 open reading frame 65; minus strand). Cytogenetic location: 11q22.3.
Variant type: single nucleotide variant.
Coding change: c.6006+5A>G on transcript NM_000051.4 (MANE Select); 5 bases into the intron after coding-DNA position 6006, A replaced by G.
Molecular consequence: intron variant.
Genome position (GRCh38, 1-based): chr11:108,312,503, A>G. VCF-style: chr11-108312503-A-G. GRCh37 (hg19) VCF-style: chr11-108183230-A-G.
Other names: c.6006+5A>G (NM_001351834.2); c.641-3432T>C (NM_001330368.2); c.*39-3432T>C (NM_001351110.2).
Identifiers: ClinVar variation 3691014 (VCV003691014.2).